The following is an entry in ClinVar:

NM_201384.3(PLEC):c.6545C>T (p.Ala2182Val)

Gene: PLEC (plectin; minus strand). Cytogenetic location: 8q24.3.
Variant type: single nucleotide variant.
Coding change: c.6545C>T on transcript NM_201384.3 (MANE Select); coding-DNA position 6545, C replaced by T.
Protein change: p.Ala2182Val; replaces alanine 2182 with valine.
Molecular consequence: missense variant.
Genome position (GRCh38, 1-based): chr8:143,923,384, G>A on the plus strand (C>T on the coding strand, the complement: PLEC is on the minus strand). VCF-style: chr8-143923384-G-A. GRCh37 (hg19) VCF-style: chr8-144997552-G-A.
Other names: c.6626C>T (NM_000445.3); c.6626C>T, p.Ala2209Val (NM_000445.5); c.6503C>T, p.Ala2168Val (NM_201378.4); c.6479C>T, p.Ala2160Val (NM_201379.3); c.6956C>T, p.Ala2319Val (NM_201380.4); c.6449C>T, p.Ala2150Val (NM_201381.3); c.6545C>T, p.Ala2182Val (NM_201382.4); c.6557C>T, p.Ala2186Val (NM_201383.3); short protein forms A2209V, A2168V, A2150V, A2160V, A2182V, A2319V, A2186V.
Identifiers: ClinVar variation 592787 (VCV000592787.15), dbSNP rs375380578, ClinGen allele CA4925947.

ClinVar aggregate classification (germline): Uncertain significance. Review status: criteria provided, multiple submitters, no conflicts (2 of 4 stars). 5 submissions from 5 submitters: Uncertain significance (5). Last evaluated 2026-07-14.

Conditions:
Epidermolysis bullosa simplex 5C, with pyloric atresia (EBS5C). Also called: PLEC-Related Epidermolysis Bullosa with Pyloric Atresia; Epidermolysis bullosa simplex with pyloric atresia; PLEC1-Related Epidermolysis Bullosa with Pyloric Atresia. Identifiers: Orphanet 158684, MedGen C2677349, MONDO:0012807, OMIM 612138.
Autosomal recessive limb-girdle muscular dystrophy type 2Q (LGMDR17). Also called: MUSCULAR DYSTROPHY, LIMB-GIRDLE, AUTOSOMAL RECESSIVE 17. Identifiers: Orphanet 254361, MedGen C3150989, MONDO:0013390, OMIM 613723.
Epidermolysis bullosa simplex, Ogna type (EBS5A). Also called: Pidermolysis bullosa simplex 5A, Ogna type; EPIDERMOLYSIS BULLOSA SIMPLEX 5A, OGNA TYPE. Identifiers: Orphanet 79401, MedGen C0432317, MONDO:0007555, OMIM 131950.
Epidermolysis bullosa simplex with nail dystrophy (EBS5D). Identifiers: MedGen C4225309, MONDO:0014661, OMIM 616487.
Epidermolysis bullosa simplex 5B, with muscular dystrophy (EBS5B). Also called: EPIDERMOLYSIS BULLOSA SIMPLEX AND LIMB-GIRDLE MUSCULAR DYSTROPHY; Epidermolysis bullosa simplex with muscular dystrophy. Identifiers: Orphanet 257, MedGen C2931072, MONDO:0009181, OMIM 226670.
Inborn genetic diseases. Identifiers: MedGen C0950123, MeSH D030342.

Allele frequency attached by ClinVar (database versions not stated): 1000 Genomes Project 30x 0.00016; 1000 Genomes Project 0.00020; ExAC 0.00002; gnomAD exomes 0.00002 and 0.00003; TOPMed 0.00002; gnomAD 0.00003 and 0.00004; ESP Exome Variant Server 0.00008.
gnomAD v4.1: 48 of 1,610,270 alleles (0.003%); highest among the groups gnomAD compares: Middle Eastern, 0.36%; 2 homozygotes.

Submissions (5):

Ambry Genetics
Classification: Uncertain significance for Inborn genetic diseases. Last evaluated: 2026-07-14. Review status: criteria provided, single submitter. Criteria: Ambry Variant Classification Scheme 2023. Collection method: clinical testing. Allele origin: germline.

Labcorp Genetics (formerly Invitae), Labcorp
Classification: Uncertain significance for Autosomal recessive limb-girdle muscular dystrophy type 2Q; Epidermolysis bullosa simplex, Ogna type; Epidermolysis bullosa simplex with nail dystrophy; Epidermolysis bullosa simplex 5C, with pyloric atresia; Epidermolysis bullosa simplex 5B, with muscular dystrophy. Last evaluated: 2025-03-25. Review status: criteria provided, single submitter. Criteria: Invitae Variant Classification Sherloc (09022015). Collection method: clinical testing. Allele origin: germline.
Comment: This sequence change replaces alanine, which is neutral and non-polar, with valine, which is neutral and non-polar, at codon 2209 of the PLEC protein (p.Ala2209Val). This variant is present in population databases (rs375380578, gnomAD 0.005%). This variant has not been reported in the literature in individuals affected with PLEC-related conditions. ClinVar contains an entry for this variant (Variation ID: 592787). An algorithm developed to predict the effect of missense changes on protein structure and function (PolyPhen-2) suggests that this variant is likely to be disruptive. In summary, the available evidence is currently insufficient to determine the role of this variant in disease. Therefore, it has been classified as a Variant of Uncertain Significance.

Revvity Omics, Revvity
Classification: Uncertain significance. Last evaluated: 2020-06-25. Review status: criteria provided, single submitter. Criteria: ACMG Guidelines, 2015. Collection method: clinical testing. Allele origin: germline.

Eurofins Ntd Llc (ga)
Classification: Uncertain significance. Last evaluated: 2018-06-01. Review status: criteria provided, single submitter. Criteria: EGL ClinVar v180209 classification definitions. Collection method: clinical testing. Allele origin: germline. Observed: 2 variant alleles, 2 heterozygotes.

Breakthrough Genomics
Classification: Uncertain significance. Review status: criteria provided, single submitter. Criteria: ACMG Guidelines, 2015. Collection method: not provided. Allele origin: germline. Inheritance: Autosomal recessive inheritance. Affected: yes.